The following is an entry in ClinVar:

NM_000088.4(COL1A1):c.593C>T (p.Pro198Leu)

Gene: COL1A1 (collagen type I alpha 1 chain; minus strand). Cytogenetic location: 17q21.33.
Variant type: single nucleotide variant.
Coding change: c.593C>T on transcript NM_000088.4 (MANE Select); coding-DNA position 593, C replaced by T.
Protein change: p.Pro198Leu; replaces proline 198 with leucine.
Molecular consequence: missense variant.
Genome position (GRCh38, 1-based): chr17:50,197,998, G>A on the plus strand (C>T on the coding strand, the complement: COL1A1 is on the minus strand). VCF-style: chr17-50197998-G-A. GRCh37 (hg19) VCF-style: chr17-48275359-G-A.
Other names: short protein forms P198L.
Identifiers: ClinVar variation 3666824 (VCV003666824.2).

ClinVar aggregate classification (germline): Uncertain significance (1 of 4 stars; one submission).

Conditions:
Osteogenesis imperfecta type I (OI1). Also called: OI, TYPE I; OSTEOGENESIS IMPERFECTA TARDA; OSTEOGENESIS IMPERFECTA WITH BLUE SCLERAE; Osteogenesis imperfecta type 1; Lobstein's Disease; Lobstein disease. Identifiers: Orphanet 216796, Orphanet 666, MedGen C0023931, MONDO:0008146, OMIM 166200. Disease mechanism: loss of function.

Submission:

Labcorp Genetics (formerly Invitae), Labcorp
Classification: Uncertain significance for Osteogenesis imperfecta type I. Last evaluated: 2024-06-12. Review status: criteria provided, single submitter. Criteria: Invitae Variant Classification Sherloc (09022015). Collection method: clinical testing. Allele origin: germline.
Comment: This sequence change replaces proline, which is neutral and non-polar, with leucine, which is neutral and non-polar, at codon 198 of the COL1A1 protein (p.Pro198Leu). This variant is not present in population databases (gnomAD no frequency). This variant has not been reported in the literature in individuals affected with COL1A1-related conditions. Advanced modeling of protein sequence and biophysical properties (such as structural, functional, and spatial information, amino acid conservation, physicochemical variation, residue mobility, and thermodynamic stability) performed at Invitae indicates that this missense variant is expected to disrupt COL1A1 protein function with a positive predictive value of 95%. In summary, the available evidence is currently insufficient to determine the role of this variant in disease. Therefore, it has been classified as a Variant of Uncertain Significance.